The following is an entry in ClinVar:

NM_000455.5(STK11):c.619G>A (p.Asp207Asn)

Gene: STK11 (serine/threonine kinase 11; plus strand). Cytogenetic location: 19p13.3.
Variant type: single nucleotide variant.
Coding change: c.619G>A on transcript NM_000455.5 (MANE Select); coding-DNA position 619, G replaced by A.
Protein change: p.Asp207Asn; replaces aspartic acid 207 with asparagine.
Molecular consequence: missense variant.
Genome position (GRCh38, 1-based): chr19:1,220,602, G>A. VCF-style: chr19-1220602-G-A. GRCh37 (hg19) VCF-style: chr19-1220601-G-A.
Other names: c.619G>A (NM_000455.4); short protein forms D207N.
Identifiers: ClinVar variation 135276 (VCV000135276.4), dbSNP rs587778694, ClinGen allele CA023170.

ClinVar aggregate classification (germline): Uncertain significance. Review status: criteria provided, single submitter (1 of 4 stars). 2 submissions from 2 submitters: Uncertain significance (1). 1 of the submissions does not count toward it. Last evaluated 2024-12-09.

Conditions:
Hereditary cancer-predisposing syndrome. Also called: Tumor predisposition; Hereditary neoplastic syndrome; Neoplastic Syndromes, Hereditary; Hereditary Cancer Syndrome. Identifiers: Orphanet 140162, MedGen C0027672, MeSH D009386, MONDO:0015356.

Submissions (2):

Ambry Genetics
Classification: Uncertain significance for Hereditary cancer-predisposing syndrome. Last evaluated: 2024-12-09. Review status: criteria provided, single submitter. Criteria: Ambry Variant Classification Scheme 2023. Collection method: clinical testing. Allele origin: germline.
Comment: The p.D207N variant (also known as c.619G>A), located in coding exon 5 of the STK11 gene, results from a G to A substitution at nucleotide position 619. The aspartic acid at codon 207 is replaced by asparagine, an amino acid with highly similar properties. This amino acid position is highly conserved in available vertebrate species. In addition, this alteration is predicted to be tolerated by in silico analysis. Since supporting evidence is limited at this time, the clinical significance of this alteration remains unclear.

ITMI
No classification provided. Condition: AllHighlyPenetrant. Last evaluated: 2013-09-19. Review status: no classification provided. Collection method: reference population. Allele origin: germline. Not counted in ClinVar's aggregate classification.
Comment: Please see associated publication for description of ethnicities

Literature cited by the submitters: PubMed 24728327 (cited by ITMI).